The following is an entry in ClinVar:

NM_000426.4(LAMA2):c.7715C>T (p.Ala2572Val)

Gene: LAMA2 (laminin subunit alpha 2; plus strand). Cytogenetic location: 6q22.33.
Variant type: single nucleotide variant.
Coding change: c.7715C>T on transcript NM_000426.4 (MANE Select); coding-DNA position 7715, C replaced by T.
Protein change: p.Ala2572Val; replaces alanine 2572 with valine.
Molecular consequence: missense variant.
Genome position (GRCh38, 1-based): chr6:129,481,405, C>T. VCF-style: chr6-129481405-C-T. GRCh37 (hg19) VCF-style: chr6-129802550-C-T.
Other names: c.7703C>T, p.Ala2568Val (NM_001079823.2); short protein forms A2568V, A2572V.
Identifiers: ClinVar variation 1997327 (VCV001997327.4), dbSNP rs2533478190, ClinGen allele CA365628339.
Genomic context (GRCh38, chr6:129,481,405, plus strand): 5'-TGTCATTCAGCACCAAGAATGAGTCCGGCATCATTCTTTTGGGAAGTGGAGGGACACCAG[C>T]ACCACCTAGGAGAAAACGAAGGCAGACTGGACAGGTACCCTCACACCTAGCTGATAATGC-3'
Protein context (NP_000417.3, residues 2562-2582): IILLGSGGTP[Ala2572Val]PPRRKRRQTG

ClinVar aggregate classification (germline): Uncertain significance (1 of 4 stars; one submission).

Conditions:
LAMA2-related muscular dystrophy (LAMA2-RD). Also called: Laminin alpha 2-related dystrophy. Identifiers: MedGen C5679788, MONDO:0100228.

Submission:

Labcorp Genetics (formerly Invitae), Labcorp
Classification: Uncertain significance for LAMA2-related muscular dystrophy. Last evaluated: 2022-05-21. Review status: criteria provided, single submitter. Criteria: Invitae Variant Classification Sherloc (09022015). Collection method: clinical testing. Allele origin: germline.
Comment: This sequence change replaces alanine, which is neutral and non-polar, with valine, which is neutral and non-polar, at codon 2572 of the LAMA2 protein (p.Ala2572Val). This variant is not present in population databases (gnomAD no frequency). This variant has not been reported in the literature in individuals affected with LAMA2-related conditions. Advanced modeling of protein sequence and biophysical properties (such as structural, functional, and spatial information, amino acid conservation, physicochemical variation, residue mobility, and thermodynamic stability) performed at Invitae indicates that this missense variant is not expected to disrupt LAMA2 protein function. In summary, the available evidence is currently insufficient to determine the role of this variant in disease. Therefore, it has been classified as a Variant of Uncertain Significance.